The following is an entry in ClinVar:

NC_000020.11:g.(?_63428347)_(63433923_?)del

Gene: KCNQ2 (potassium voltage-gated channel subfamily Q member 2; minus strand). Cytogenetic location: 20q13.33.
Variant type: Deletion.
Identifiers: ClinVar variation 651259 (VCV000651259.6).

ClinVar aggregate classification (germline): Pathogenic (1 of 4 stars; one submission).

Conditions:
Developmental and epileptic encephalopathy. Identifiers: MedGen C5779964, MONDO:0100620.

Submission:

Labcorp Genetics (formerly Invitae), Labcorp
Classification: Pathogenic for Early-infantile DEE. Last evaluated: 2018-09-26. Review status: criteria provided, single submitter. Criteria: Invitae Variant Classification Sherloc (09022015). Collection method: clinical testing. Allele origin: germline.
Comment: For these reasons, this variant has been classified as Pathogenic. Loss-of-function variants in KCNQ2 are known to be pathogenic (PMID: 14534157, 23692823, 25951140, 25959266, 26758118, 27779742). This variant has not been reported in the literature in individuals with KCNQ2-related disease. This variant is an out-of-frame deletion of the genomic region encompassing exons 8-10 of the KCNQ2 gene. This is expected to create a premature translational stop signal and result in an absent or disrupted protein product.

Literature cited by the submitters: PubMed 14534157; PubMed 23692823; PubMed 25951140; PubMed 25959266; PubMed 26758118; PubMed 27779742.